The following is an entry in ClinVar:

ClinVar aggregate classification (germline): Uncertain significance. Review status: criteria provided, multiple submitters, no conflicts (2 of 4 stars). 2 submissions from 2 submitters: Uncertain significance (2). Last evaluated 2024-12-06.

gnomAD v4.1: 2 of 1,613,880 alleles (0.00012%); highest among the groups gnomAD compares: Non-Finnish European, 0.00017%; no homozygotes.

Submissions (2):

Dasa
Classification: Uncertain significance. Last evaluated: 2024-12-06. Review status: criteria provided, single submitter. Criteria: DASA Assertion Criteria. Collection method: clinical testing. Allele origin: germline.
Comment: NM_013275.6(ANKRD11):c.3209A>G (p.His1070Arg) is a missense variant that results in the substitution of histidine with arginine. This variant is rare in population databases. Computational prediction algorithms are consistent with a benign effect. The currently available literature and clinical evidence are not sufficient to establish a definitive association between this variant and the reported condition. Therefore, this variant is classified as a variant of uncertain significance.

Women's Health and Genetics/Laboratory Corporation of America, LabCorp
Classification: Uncertain significance. Last evaluated: 2024-09-26. Review status: criteria provided, single submitter. Criteria: LabCorp Variant Classification Summary - May 2015. Collection method: clinical testing. Allele origin: germline.
Comment: Variant summary: ANKRD11 c.3209A>G (p.His1070Arg) results in a non-conservative amino acid change in the encoded protein sequence. Four of five in-silico tools predict a damaging effect of the variant on protein function. The variant was absent in 251304 control chromosomes. The available data on variant occurrences in the general population are insufficient to allow any conclusion about variant significance. To our knowledge, no occurrence of c.3209A>G in individuals affected with KBG Syndrome and no experimental evidence demonstrating its impact on protein function have been reported. No submitters have cited clinical-significance assessments for this variant to ClinVar. Based on the evidence outlined above, the variant was classified as uncertain significance.

NM_013275.6(ANKRD11):c.3209A>G (p.His1070Arg)

Gene: ANKRD11 (ankyrin repeat domain 11; minus strand). Cytogenetic location: 16q24.3.
Variant type: single nucleotide variant.
Coding change: c.3209A>G on transcript NM_013275.6 (MANE Select); coding-DNA position 3209, A replaced by G.
Protein change: p.His1070Arg; replaces histidine 1070 with arginine.
Molecular consequence: missense variant.
Genome position (GRCh38, 1-based): chr16:89,283,333, T>C on the plus strand (A>G on the coding strand, the complement: ANKRD11 is on the minus strand). VCF-style: chr16-89283333-T-C. GRCh37 (hg19) VCF-style: chr16-89349741-T-C.
Other names: c.3209A>G, p.His1070Arg (NM_001256182.2, NM_001256183.2); short protein forms H1070R.
Identifiers: ClinVar variation 3375170 (VCV003375170.3).
Genomic context (GRCh38, chr16:89,283,333, plus strand): 5'-GCCTTCTCCTTCTTCTCTTTCCCTTGGTCGAGAGACGCTTTCCTTTCTTTGTCTTTGCCA[T>C]GTGTGTCTTTATGTTTTTCCTTGGTATCTTTTTTCTCTTTAAAACATTTATCAAATTCTT-3'
Protein context (NP_037407.4, residues 1060-1080): KDTKEKHKDT[His1070Arg]GKDKERKASL